The following is an entry in ClinVar:

NM_014014.5(SNRNP200):c.210-8T>G

Gene: SNRNP200 (small nuclear ribonucleoprotein U5 subunit 200; minus strand). Cytogenetic location: 2q11.2.
Variant type: single nucleotide variant.
Coding change: c.210-8T>G on transcript NM_014014.5 (MANE Select); 8 bases into the intron before coding-DNA position 210, T replaced by G.
Molecular consequence: intron variant.
Genome position (GRCh38, 1-based): chr2:96,303,338, A>C on the plus strand (T>G on the coding strand, the complement: SNRNP200 is on the minus strand). VCF-style: chr2-96303338-A-C. GRCh37 (hg19) VCF-style: chr2-96969076-A-C.
Identifiers: ClinVar variation 867218 (VCV000867218.12), dbSNP rs950646900, ClinGen allele CA52407327.
Genomic context (GRCh38, chr2:96,303,338, plus strand): 5'-TATAACCCTTCATCTTGTTGATGTCATGCCGGTCCTCATCACGCTTTCTTCGCCTAATGG[A>C]CATGCAATGTGATATTGAATGGCAGAACCTTTCGTCCCCAAGGGAAGACTGGATCAAGCC-3'

ClinVar aggregate classification (germline): Uncertain significance. Review status: criteria provided, multiple submitters, no conflicts (2 of 4 stars). 2 submissions from 2 submitters: Uncertain significance (2). Last evaluated 2022-04-13.

Allele frequency attached by ClinVar (database versions not stated): gnomAD exomes below 0.00001; gnomAD 0.00002 and 0.00003; TOPMed 0.00002.
gnomAD v4.1: 6 of 1,613,992 alleles (0.00037%); highest among the groups gnomAD compares: African/African-American, 0.008%; no homozygotes.

Submissions (3):

Labcorp Genetics (formerly Invitae), Labcorp
Classification: Uncertain significance. Last evaluated: 2022-04-13. Review status: criteria provided, single submitter. Criteria: Invitae Variant Classification Sherloc (09022015). Collection method: clinical testing. Allele origin: germline.
Comment: This sequence change falls in intron 2 of the SNRNP200 gene. It does not directly change the encoded amino acid sequence of the SNRNP200 protein. In summary, the available evidence is currently insufficient to determine the role of this variant in disease. Therefore, it has been classified as a Variant of Uncertain Significance. Algorithms developed to predict the effect of sequence changes on RNA splicing suggest that this variant may create or strengthen a splice site. ClinVar contains an entry for this variant (Variation ID: 867218). This variant has not been reported in the literature in individuals affected with SNRNP200-related conditions. This variant is present in population databases (no rsID available, gnomAD 0.01%).

Blueprint Genetics
Classification: Uncertain significance. Last evaluated: 2019-08-09. Review status: criteria provided, single submitter. Criteria: ACMG Guidelines, 2015. Collection method: clinical testing. Allele origin: germline.

Dr. Peter K. Rogan Lab, Western University
No classification provided (evidence only). Condition: Acute myeloid leukemia. Review status: no classification provided. Collection method: in vitro. Allele origin: not applicable. Functional consequence: retained intron. Not counted in ClinVar's aggregate classification.